The following is an entry in ClinVar:

NM_004304.5(ALK):c.1247C>T (p.Ala416Val)

Gene: ALK (ALK receptor tyrosine kinase; minus strand). Cytogenetic location: 2p23.2.
Variant type: single nucleotide variant.
Coding change: c.1247C>T on transcript NM_004304.5 (MANE Select); coding-DNA position 1247, C replaced by T.
Protein change: p.Ala416Val; replaces alanine 416 with valine.
Molecular consequence: missense variant.
Genome position (GRCh38, 1-based): chr2:29,383,767, G>A on the plus strand (C>T on the coding strand, the complement: ALK is on the minus strand). VCF-style: chr2-29383767-G-A. GRCh37 (hg19) VCF-style: chr2-29606633-G-A.
Other names: short protein forms A416V.
Identifiers: ClinVar variation 652225 (VCV000652225.6), dbSNP rs772529363, ClinGen allele CA346585150.
Genomic context (GRCh38, chr2:29,383,767, plus strand): 5'-GCGTGGGAAAGCCAGATTCAGATACCTTCACTGCAGTTCTTCAGGGCAAAGAAGTCCACT[G>A]CAGACAAGCTGCGGTTTCCACTGGAGATGTATTCCAGGGCCACTCGAAATGGGTTGTCTG-3'
Protein context (NP_004295.2, residues 406-426): YISSGNRSLS[Ala416Val]VDFFALKNCS

ClinVar aggregate classification (germline): Uncertain significance. Review status: criteria provided, multiple submitters, no conflicts (2 of 4 stars). 2 submissions from 2 submitters: Uncertain significance (2). Last evaluated 2024-09-21.

Conditions:
Neuroblastoma, susceptibility to, 3. Also called: ALK-Related Neuroblastic Tumor Susceptibility. Identifiers: Orphanet 635, MedGen C2751681, MONDO:0013083, OMIM 613014.
Hereditary cancer-predisposing syndrome. Also called: Hereditary Cancer Syndrome; Tumor predisposition; Neoplastic Syndromes, Hereditary; Hereditary neoplastic syndrome. Identifiers: Orphanet 140162, MedGen C0027672, MeSH D009386, MONDO:0015356.

Submissions (2):

Ambry Genetics
Classification: Uncertain significance for Hereditary cancer-predisposing syndrome. Last evaluated: 2024-09-21. Review status: criteria provided, single submitter. Criteria: Ambry Variant Classification Scheme 2023. Collection method: clinical testing. Allele origin: germline.
Comment: The p.A416V variant (also known as c.1247C>T), located in coding exon 5 of the ALK gene, results from a C to T substitution at nucleotide position 1247. The alanine at codon 416 is replaced by valine, an amino acid with similar properties. This amino acid position is conserved. In addition, this alteration is predicted to be tolerated by in silico analysis. Based on the available evidence, the clinical significance of this variant remains unclear.

Labcorp Genetics (formerly Invitae), Labcorp
Classification: Uncertain significance for Neuroblastoma, susceptibility to, 3. Last evaluated: 2022-08-25. Review status: criteria provided, single submitter. Criteria: Invitae Variant Classification Sherloc (09022015). Collection method: clinical testing. Allele origin: germline.
Comment: This sequence change replaces alanine, which is neutral and non-polar, with valine, which is neutral and non-polar, at codon 416 of the ALK protein (p.Ala416Val). This variant is not present in population databases (gnomAD no frequency). This variant has not been reported in the literature in individuals affected with ALK-related conditions. ClinVar contains an entry for this variant (Variation ID: 652225). Algorithms developed to predict the effect of missense changes on protein structure and function output the following: SIFT: "Tolerated"; PolyPhen-2: "Benign"; Align-GVGD: "Class C0". The valine amino acid residue is found in multiple mammalian species, which suggests that this missense change does not adversely affect protein function. In summary, the available evidence is currently insufficient to determine the role of this variant in disease. Therefore, it has been classified as a Variant of Uncertain Significance.